The following is an entry in ClinVar:

ClinVar aggregate classification (germline): Pathogenic (1 of 4 stars; one submission).

Submission:

Quest Diagnostics Nichols Institute San Juan Capistrano
Classification: Pathogenic. Last evaluated: 2023-01-16. Review status: criteria provided, single submitter. Criteria: ACMG/ClinGen CNV Guidelines, 2019. Collection method: clinical testing. Allele origin: unknown.
Comment: This 9p24.3p13.1 gain is contained within the known 9p duplication syndromic region, which is associated with a range of phenotypes (Cammarata-Scalisi 2019, Abu-Amero 2010, Inoue 2022, Kim 2017, Kowalczyk 2013). Thus, based on current medical literature and gene content, this copy number variant (CNV) is classified as pathogenic. References: Abu-Amero et al., BMC Med Genet. 2010 Sep 21;11:135. PMID: 20858261 Cammarata-Scalisi et al., Arch Argent Pediatr. 2019 Oct 1;117(5):e473-e476. PMID: 31560494 Inoue et al., J Clin Immunol. 2022 Jan;42(1):203-205. PMID: 34664193 Kim et al., Mol Cell Endocrinol. 2017 Mar 15;444:19-25. PMID: 28130116 Kowalczyk et al., Cytogenet Genome Res. 2013;139(1):9-16. PMID: 22965227

GRCh37/hg19 9p24.3-13.1(chr9:1475882-38771831)x3

Genes: ACER2 (alkaline ceramidase 2; plus strand), ACO1 (aconitase 1; plus strand), ADAMTSL1 (ADAMTS like 1; plus strand), AK3 (adenylate kinase 3; minus strand), ALDH1B1 (aldehyde dehydrogenase 1 family member B1; plus strand) and 185 more. Cytogenetic location: 9p24.3-13.1.
Variant type: copy number gain.
Change: copy number 3 (three copies instead of two) of chr9:1,475,882-38,771,831 (37.30 Mb, GRCh37 coordinates, 1-based), cytogenetic band 9p24.3-13.1.
Identifiers: ClinVar variation 2684569 (VCV002684569.1).